The following is an entry in ClinVar:

NM_002474.3(MYH11):c.391C>G (p.Leu131Val)

Gene: MYH11 (myosin heavy chain 11; minus strand). Cytogenetic location: 16p13.11.
Variant type: single nucleotide variant.
Coding change: c.391C>G on transcript NM_002474.3 (MANE Select); coding-DNA position 391, C replaced by G.
Protein change: p.Leu131Val; replaces leucine 131 with valine.
Molecular consequence: missense variant.
Genome position (GRCh38, 1-based): chr16:15,823,366, G>C on the plus strand (C>G on the coding strand, the complement: MYH11 is on the minus strand). VCF-style: chr16-15823366-G-C. GRCh37 (hg19) VCF-style: chr16-15917223-G-C.
Other names: c.391C>G, p.Leu131Val (NM_001040113.2, NM_001040114.2, NM_022844.3); short protein forms L131V.
Identifiers: ClinVar variation 919380 (VCV000919380.19), dbSNP rs111247524, ClinGen allele CA278623052.

ClinVar aggregate classification (germline): Uncertain significance. Review status: criteria provided, multiple submitters, no conflicts (2 of 4 stars). 6 submissions from 6 submitters: Uncertain significance (6). Last evaluated 2026-01-08.

Conditions:
Aortic aneurysm, familial thoracic 4 (AAT4). Also called: AORTIC ANEURYSM/AORTIC DISSECTION AND PATENT DUCTUS ARTERIOSUS. Identifiers: MedGen C1851504, MONDO:0007568, OMIM 132900.
Megacystis-microcolon-intestinal hypoperistalsis syndrome 2. Identifiers: MedGen C5543476, MONDO:0025708, OMIM 619351.
Visceral myopathy 2. Identifiers: MedGen C5543466, MONDO:0859157, OMIM 619350.
Familial thoracic aortic aneurysm and aortic dissection (TAAD). Also called: Thoracic aortic aneurysms and dissections. Identifiers: Orphanet 91387, MedGen C4707243, MONDO:0019625.

Allele frequency attached by ClinVar (database versions not stated): gnomAD exomes below 0.00001; TOPMed 0.00006; ESP Exome Variant Server 0.00008.
gnomAD v4.1: 8 of 1,614,062 alleles (0.0005%); highest among the groups gnomAD compares: African/African-American, 0.011%; no homozygotes.

Submissions (6):

Labcorp Genetics (formerly Invitae), Labcorp
Classification: Uncertain significance for Aortic aneurysm, familial thoracic 4. Last evaluated: 2026-01-08. Review status: criteria provided, single submitter. Criteria: Invitae Variant Classification Sherloc (09022015). Collection method: clinical testing. Allele origin: germline.
Comment: This sequence change replaces leucine, which is neutral and non-polar, with valine, which is neutral and non-polar, at codon 131 of the MYH11 protein (p.Leu131Val). This variant is present in population databases (rs111247524, gnomAD 0.01%). This variant has not been reported in the literature in individuals affected with MYH11-related conditions. ClinVar contains an entry for this variant (Variation ID: 919380). Invitae Evidence Modeling of protein sequence and biophysical properties (such as structural, functional, and spatial information, amino acid conservation, physicochemical variation, residue mobility, and thermodynamic stability) indicates that this missense variant is not expected to disrupt MYH11 protein function with a negative predictive value of 95%. In summary, the available evidence is currently insufficient to determine the role of this variant in disease. Therefore, it has been classified as a Variant of Uncertain Significance.

All of Us Research Program, National Institutes of Health
Classification: Uncertain significance for Familial thoracic aortic aneurysm and aortic dissection. Last evaluated: 2024-07-20. Review status: criteria provided, single submitter. Criteria: ACMG Guidelines, 2015. Collection method: clinical testing. Allele origin: germline. Inheritance: Autosomal dominant inheritance. Observed: 5 variant alleles, 5 heterozygotes.
Comment: This missense variant replaces leucine with valine at codon 131 of the MYH11 protein. Computational prediction suggests that this variant may have deleterious impact on protein structure and function (internally defined REVEL score threshold >= 0.7, PMID: 27666373). Splice site prediction tools suggest that this variant may not impact RNA splicing. To our knowledge, functional studies have not been performed for this variant. This variant has not been reported in individuals affected with cardiovascular disorders in the literature. This variant has been identified in 3/282886 chromosomes in the general population by the Genome Aggregation Database (gnomAD). The available evidence is insufficient to determine the role of this variant in disease conclusively. Therefore, this variant is classified as a Variant of Uncertain Significance.

This study involves interpretation of variants in research participants for the purpose of population health screening. Participant phenotype was not available at the time of variant classification. Additional details can be found in publication PMID: 35346344, PMCID: PMC8962531

Color Diagnostics, LLC DBA Color Health
Classification: Uncertain significance for Familial thoracic aortic aneurysm and aortic dissection. Last evaluated: 2024-03-06. Review status: criteria provided, single submitter. Criteria: ACMG Guidelines, 2015. Collection method: clinical testing. Allele origin: germline.
Comment: This missense variant replaces leucine with valine at codon 131 of the MYH11 protein. Computational prediction suggests that this variant may have deleterious impact on protein structure and function (internally defined REVEL score threshold >= 0.7, PMID: 27666373). To our knowledge, functional studies have not been reported for this variant. This variant has not been reported in individuals affected with MYH11-related disorders in the literature. This variant has been identified in 3/282886 chromosomes in the general population by the Genome Aggregation Database (gnomAD). The available evidence is insufficient to determine the role of this variant in disease conclusively. Therefore, this variant is classified as a Variant of Uncertain Significance.

GeneDx
Classification: Uncertain significance. Last evaluated: 2022-09-13. Review status: criteria provided, single submitter. Criteria: GeneDx Variant Classification Process June 2021. Collection method: clinical testing. Allele origin: germline. Affected: yes.
Comment: Not observed at significant frequency in large population cohorts (gnomAD); In silico analysis supports that this missense variant has a deleterious effect on protein structure/function; Has not been previously published as pathogenic or benign to our knowledge

Fulgent Genetics
Classification: Uncertain significance for Aortic aneurysm, familial thoracic 4; Visceral myopathy 2; Megacystis-microcolon-intestinal hypoperistalsis syndrome 2. Last evaluated: 2021-10-29. Review status: criteria provided, single submitter. Criteria: ACMG Guidelines, 2015. Collection method: clinical testing. Allele origin: unknown.

Ambry Genetics
Classification: Uncertain significance for Familial thoracic aortic aneurysm and aortic dissection. Last evaluated: 2021-06-30. Review status: criteria provided, single submitter. Criteria: Ambry Variant Classification Scheme 2023. Collection method: clinical testing. Allele origin: germline.
Comment: The p.L131V variant (also known as c.391C>G), located in coding exon 2 of the MYH11 gene, results from a C to G substitution at nucleotide position 391. The leucine at codon 131 is replaced by valine, an amino acid with highly similar properties. This amino acid position is conserved. In addition, the in silico prediction for this alteration is inconclusive. Since supporting evidence is limited at this time, the clinical significance of this alteration remains unclear.